The following is an entry in ClinVar:

NM_005612.5(REST):c.1573G>A (p.Val525Ile)

Gene: REST (RE1 silencing transcription factor; plus strand). Cytogenetic location: 4q12.
Variant type: single nucleotide variant.
Coding change: c.1573G>A on transcript NM_005612.5 (MANE Select); coding-DNA position 1573, G replaced by A.
Protein change: p.Val525Ile; replaces valine 525 with isoleucine.
Molecular consequence: missense variant.
Genome position (GRCh38, 1-based): chr4:56,930,431, G>A. VCF-style: chr4-56930431-G-A. GRCh37 (hg19) VCF-style: chr4-57796597-G-A.
Other names: c.1573G>A, p.Val525Ile (NM_001193508.2, NM_001363453.3); short protein forms V525I.
Identifiers: ClinVar variation 1402680 (VCV001402680.8), dbSNP rs1393178453, ClinGen allele CA357006927.

ClinVar aggregate classification (germline): Uncertain significance (1 of 4 stars; one submission).

Allele frequency attached by ClinVar (database versions not stated): gnomAD exomes below 0.00001.
gnomAD v4.1: 1 of 1,613,988 alleles (0.000062%); highest among the groups gnomAD compares: Middle Eastern, 0.016%; no homozygotes.

Submission:

Labcorp Genetics (formerly Invitae), Labcorp
Classification: Uncertain significance. Last evaluated: 2021-06-05. Review status: criteria provided, single submitter. Criteria: Invitae Variant Classification Sherloc (09022015). Collection method: clinical testing. Allele origin: germline.
Comment: This sequence change replaces valine with isoleucine at codon 525 of the REST protein (p.Val525Ile). The valine residue is weakly conserved and there is a small physicochemical difference between valine and isoleucine. This variant is not present in population databases (ExAC no frequency). This variant has not been reported in the literature in individuals with REST-related conditions. Algorithms developed to predict the effect of missense changes on protein structure and function (SIFT, PolyPhen-2, Align-GVGD) all suggest that this variant is likely to be tolerated, but these predictions have not been confirmed by published functional studies and their clinical significance is uncertain. In summary, the available evidence is currently insufficient to determine the role of this variant in disease. Therefore, it has been classified as a Variant of Uncertain Significance.